The following is an entry in ClinVar:

ClinVar aggregate classification (germline): Uncertain significance (1 of 4 stars; one submission).

Conditions:
Long QT syndrome (LQTS). Identifiers: MedGen C0023976, MeSH D008133, MONDO:0002442. Disease mechanism: loss of function. Inheritance: Various modes of inheritance.

Submission:

Labcorp Genetics (formerly Invitae), Labcorp
Classification: Uncertain significance for Long QT syndrome. Last evaluated: 2024-06-11. Review status: criteria provided, single submitter. Criteria: Invitae Variant Classification Sherloc (09022015). Collection method: clinical testing. Allele origin: germline.
Comment: This sequence change replaces glycine, which is neutral and non-polar, with arginine, which is basic and polar, at codon 226 of the KCNH2 protein (p.Gly226Arg). This variant is not present in population databases (gnomAD no frequency). This variant has not been reported in the literature in individuals affected with KCNH2-related conditions. ClinVar contains an entry for this variant (Variation ID: 2418931). Algorithms developed to predict the effect of missense changes on protein structure and function output the following: SIFT: "Not Available"; PolyPhen-2: "Benign"; Align-GVGD: "Not Available". The arginine amino acid residue is found in multiple mammalian species, which suggests that this missense change does not adversely affect protein function. In summary, the available evidence is currently insufficient to determine the role of this variant in disease. Therefore, it has been classified as a Variant of Uncertain Significance.

NM_000238.4(KCNH2):c.676G>C (p.Gly226Arg)

Gene: KCNH2 (potassium voltage-gated channel subfamily H member 2; minus strand). Cytogenetic location: 7q36.1.
Variant type: single nucleotide variant.
Coding change: c.676G>C on transcript NM_000238.4 (MANE Select); coding-DNA position 676, G replaced by C.
Protein change: p.Gly226Arg; replaces glycine 226 with arginine.
Molecular consequence: missense variant.
Genome position (GRCh38, 1-based): chr7:150,958,299, C>G on the plus strand (G>C on the coding strand, the complement: KCNH2 is on the minus strand). VCF-style: chr7-150958299-C-G. GRCh37 (hg19) VCF-style: chr7-150655387-C-G.
Other names: c.388G>C, p.Gly130Arg (NM_001406753.1, NM_001406756.1); c.499G>C, p.Gly167Arg (NM_001406755.1); c.376G>C, p.Gly126Arg (NM_001406757.1); c.676G>C, p.Gly226Arg (NM_172056.3); short protein forms G126R, G130R, G167R, G226R.
Identifiers: ClinVar variation 2418931 (VCV002418931.6), dbSNP rs2486092034, ClinGen allele CA369862868.